The following is an entry in ClinVar:

ClinVar aggregate classification (germline): Conflicting classifications of pathogenicity. Review status: criteria provided, conflicting classifications (1 of 4 stars). 6 submissions from 6 submitters: Uncertain significance (4); Likely benign (1). 1 of the submissions does not count toward it. Last evaluated 2025-01-06.

Conditions:
Methylmalonic aciduria due to complete methylmalonyl-CoA mutase deficiency.
Methylmalonic aciduria due to methylmalonyl-CoA mutase deficiency (MAMM). Also called: Methylmalonic aciduria, mut type. Identifiers: Orphanet 27, MedGen C1855114, MONDO:0009612, OMIM 251000.
MMUT-related disorder. Also called: MMUT-related condition.

Allele frequency attached by ClinVar (database versions not stated): gnomAD exomes 0.00010; ExAC 0.00013; gnomAD 0.00015 and 0.00018; TOPMed 0.00015; ESP Exome Variant Server 0.00031.
gnomAD v4.1: 105 of 1,613,868 alleles (0.0065%); highest among the groups gnomAD compares: African/African-American, 0.045%; no homozygotes.

Submissions (6):

Labcorp Genetics (formerly Invitae), Labcorp
Classification: Uncertain significance. Last evaluated: 2025-01-06. Review status: criteria provided, single submitter. Criteria: Invitae Variant Classification Sherloc (09022015). Collection method: clinical testing. Allele origin: germline.
Comment: This sequence change falls in intron 6 of the MUT gene. It does not directly change the encoded amino acid sequence of the MUT protein. It affects a nucleotide within the consensus splice site. This variant is present in population databases (rs367641890, gnomAD 0.06%). This variant has not been reported in the literature in individuals affected with MUT-related conditions. ClinVar contains an entry for this variant (Variation ID: 357261). Variants that disrupt the consensus splice site are a relatively common cause of aberrant splicing (PMID: 17576681, 9536098). Algorithms developed to predict the effect of sequence changes on RNA splicing suggest that this variant is not likely to affect RNA splicing. In summary, the available evidence is currently insufficient to determine the role of this variant in disease. Therefore, it has been classified as a Variant of Uncertain Significance.

PreventionGenetics, part of Exact Sciences
Classification: Likely benign for MMUT-related condition. Last evaluated: 2024-10-07. Review status: criteria provided, single submitter. Criteria: ACMG Guidelines, 2015. Collection method: clinical testing. Allele origin: germline.
Comment: This variant is classified as likely benign based on ACMG/AMP sequence variant interpretation guidelines (Richards et al. 2015 PMID: 25741868, with internal and published modifications).

Fulgent Genetics
Classification: Uncertain significance for Methylmalonic aciduria due to methylmalonyl-CoA mutase deficiency. Last evaluated: 2018-10-31. Review status: criteria provided, single submitter. Criteria: ACMG Guidelines, 2015. Collection method: clinical testing. Allele origin: unknown.

Illumina Laboratory Services, Illumina
Classification: Uncertain significance for Methylmalonic aciduria due to methylmalonyl-CoA mutase deficiency. Last evaluated: 2018-01-13. Review status: criteria provided, single submitter. Criteria: ICSL Variant Classification Criteria 13 December 2019. Collection method: clinical testing. Allele origin: germline.

GeneDx
Classification: Uncertain significance. Last evaluated: 2017-04-25. Review status: criteria provided, single submitter. Criteria: GeneDx Variant Classification (06012015). Collection method: clinical testing. Allele origin: germline. Affected: yes.
Comment: The c.1332+3A>C variant in the MUT gene has not been reported previously as a pathogenic variant nor as a benign variant, to our knowledge. This variant reduces the quality of the splice donor site in intron 6, and is expected to cause abnormal gene splicing. The c.1332+3A>C variant is observed in 8/10052 (0.08%%) alleles from individuals of African background in the ExAC dataset (Lek et al., 2016; 1000 Genomes Consortium et al., 2015; Exome Variant Server). Based on currently available evidence, we interpret c.1332+3A>C as a variant of uncertain significance.

Natera, Inc.
Classification: Uncertain significance for Methylmalonic aciduria due to complete methylmalonyl-CoA mutase deficiency. Last evaluated: 2020-09-16. Review status: no assertion criteria provided. Collection method: clinical testing. Allele origin: germline. Not counted in ClinVar's aggregate classification.

Literature cited by the submitters: PubMed 17576681 (cited by Labcorp Genetics (formerly Invitae), Labcorp); PubMed 9536098 (cited by Labcorp Genetics (formerly Invitae), Labcorp).

NM_000255.4(MMUT):c.1332+3A>C

Gene: MMUT (methylmalonyl-CoA mutase; minus strand). Cytogenetic location: 6p12.3.
Variant type: single nucleotide variant.
Coding change: c.1332+3A>C on transcript NM_000255.4 (MANE Select); 3 bases into the intron after coding-DNA position 1332, A replaced by C.
Molecular consequence: intron variant.
Genome position (GRCh38, 1-based): chr6:49,451,463, T>G on the plus strand (A>C on the coding strand, the complement: MMUT is on the minus strand). VCF-style: chr6-49451463-T-G. GRCh37 (hg19) VCF-style: chr6-49419176-T-G.
Identifiers: ClinVar variation 357261 (VCV000357261.13), dbSNP rs367641890, ClinGen allele CA3846919.